The following is an entry in ClinVar:

ClinVar aggregate classification (germline): Likely benign (1 of 4 stars; one submission).

Allele frequency attached by ClinVar (database versions not stated): gnomAD exomes 0.00001.

Submission:

GeneDx
Classification: Likely benign. Last evaluated: 2017-07-12. Review status: criteria provided, single submitter. Criteria: GeneDx Variant Classification (06012015). Collection method: clinical testing. Allele origin: germline. Affected: yes.
Comment: This variant is considered likely benign or benign based on one or more of the following criteria: it is a conservative change, it occurs at a poorly conserved position in the protein, it is predicted to be benign by multiple in silico algorithms, and/or has population frequency not consistent with disease.

NM_025219.3(DNAJC5):c.12G>A (p.Gln4=)

Gene: DNAJC5 (DnaJ heat shock protein family (Hsp40) member C5; plus strand). Cytogenetic location: 20q13.33.
Variant type: single nucleotide variant.
Coding change: c.12G>A on transcript NM_025219.3 (MANE Select); coding-DNA position 12, G replaced by A.
Protein change: p.Gln4=; no amino-acid change (glutamine 4 retained).
Molecular consequence: synonymous variant.
Genome position (GRCh38, 1-based): chr20:63,928,357, G>A. VCF-style: chr20-63928357-G-A. GRCh37 (hg19) VCF-style: chr20-62559710-G-A.
Identifiers: ClinVar variation 510563 (VCV000510563.1), dbSNP rs1397094070, ClinGen allele CA511375969.